The following is an entry in ClinVar:

NM_001367624.2(ZNF469):c.5341G>A (p.Gly1781Ser)

Gene: ZNF469 (zinc finger protein 469; plus strand). Cytogenetic location: 16q24.2.
Variant type: single nucleotide variant.
Coding change: c.5341G>A on transcript NM_001367624.2 (MANE Select); coding-DNA position 5341, G replaced by A.
Protein change: p.Gly1781Ser; replaces glycine 1781 with serine.
Molecular consequence: missense variant.
Genome position (GRCh38, 1-based): chr16:88,432,811, G>A. VCF-style: chr16-88432811-G-A. GRCh37 (hg19) VCF-style: chr16-88499219-G-A.
Other names: NM_001127464.1:c.5257G>A; NM_001127464.2:c.5257G>A; short protein forms G1781S.
Identifiers: ClinVar variation 1419649 (VCV001419649.29), dbSNP rs555047442, ClinGen allele CA8225070.
Genomic context (GRCh38, chr16:88,432,811, plus strand): 5'-AGTGAAGACTCCCTGCGGCTGCTTCCCTGTGAACAGAGAGGAGGGTTCCTCCCAGAGCCC[G>A]GCACAGCAGACCAGCCCCACCGAGGGGCCCCTGCTCCAGAAGCTTTTGGCAGCCCTGCTG-3'
Protein context (NP_001354553.1, residues 1771-1791): EQRGGFLPEP[Gly1781Ser]TADQPHRGAP

ClinVar aggregate classification (germline): Conflicting classifications of pathogenicity. Review status: criteria provided, conflicting classifications (1 of 4 stars). 4 submissions from 4 submitters: Uncertain significance (1); Likely benign (2). 1 of the submissions does not count toward it. Last evaluated 2024-09-04.

Conditions:
ZNF469-related disorder. Also called: ZNF469-related condition.
Cardiovascular phenotype. Identifiers: MedGen CN230736.

Allele frequency attached by ClinVar (database versions not stated): TOPMed 0.00011; gnomAD exomes 0.00013; gnomAD 0.00015; 1000 Genomes Project 0.00020; ExAC 0.00027; 1000 Genomes Project 30x 0.00031.
gnomAD v4.1: 115 of 1,550,098 alleles (0.0074%); highest among the groups gnomAD compares: East Asian, 0.022%; no homozygotes.

Submissions (4):

Ambry Genetics
Classification: Likely benign for Cardiovascular phenotype. Last evaluated: 2024-09-04. Review status: criteria provided, single submitter. Criteria: Ambry Variant Classification Scheme 2023. Collection method: clinical testing. Allele origin: germline.

CeGaT Center for Human Genetics Tuebingen
Classification: Likely benign. Last evaluated: 2023-11-01. Review status: criteria provided, single submitter. Criteria: CeGaT Center For Human Genetics Tuebingen Variant Classification Criteria Version 2. Collection method: clinical testing. Allele origin: germline. Affected: yes. Observed: 1 variant allele.
Comment: ZNF469: BP4

Labcorp Genetics (formerly Invitae), Labcorp
Classification: Uncertain significance. Last evaluated: 2022-07-05. Review status: criteria provided, single submitter. Criteria: Invitae Variant Classification Sherloc (09022015). Collection method: clinical testing. Allele origin: germline.
Comment: This sequence change replaces glycine, which is neutral and non-polar, with serine, which is neutral and polar, at codon 1753 of the ZNF469 protein (p.Gly1753Ser). This variant is present in population databases (rs555047442, gnomAD 0.2%). This variant has not been reported in the literature in individuals affected with ZNF469-related conditions. ClinVar contains an entry for this variant (Variation ID: 1419649). Algorithms developed to predict the effect of missense changes on protein structure and function output the following: SIFT: "Tolerated"; PolyPhen-2: "Benign"; Align-GVGD: "Class C0". The serine amino acid residue is found in multiple mammalian species, which suggests that this missense change does not adversely affect protein function. In summary, the available evidence is currently insufficient to determine the role of this variant in disease. Therefore, it has been classified as a Variant of Uncertain Significance.

PreventionGenetics, part of Exact Sciences
Classification: Likely benign for ZNF469-related condition. Last evaluated: 2023-07-28. Review status: no assertion criteria provided. Collection method: clinical testing. Allele origin: germline. Not counted in ClinVar's aggregate classification.
Comment: This variant is classified as likely benign based on ACMG/AMP sequence variant interpretation guidelines (Richards et al. 2015 PMID: 25741868, with internal and published modifications).